The following is an entry in ClinVar:

NM_000179.3(MSH6):c.142G>C (p.Ala48Pro)

Gene: MSH6 (mutS homolog 6; plus strand). Cytogenetic location: 2p16.3.
Variant type: single nucleotide variant.
Coding change: c.142G>C on transcript NM_000179.3 (MANE Select); coding-DNA position 142, G replaced by C.
Protein change: p.Ala48Pro; replaces alanine 48 with proline.
Molecular consequence: missense variant. On other transcripts: 5 prime UTR variant (1).
Genome position (GRCh38, 1-based): chr2:47,783,375, G>C. VCF-style: chr2-47783375-G-C. GRCh37 (hg19) VCF-style: chr2-48010514-G-C.
Other names: c.142G>C, p.Ala48Pro (NM_001281492.2); c.-595G>C (NM_001281493.2); short protein forms A48P.
Identifiers: ClinVar variation 918818 (VCV000918818.9), dbSNP rs1572698169, ClinGen allele CA346734921.

ClinVar aggregate classification (germline): Uncertain significance. Review status: criteria provided, multiple submitters, no conflicts (2 of 4 stars). 4 submissions from 4 submitters: Uncertain significance (4). Last evaluated 2025-02-10.

Conditions:
Hereditary cancer-predisposing syndrome. Also called: Neoplastic Syndromes, Hereditary; Tumor predisposition; Hereditary Cancer Syndrome; Hereditary neoplastic syndrome. Identifiers: Orphanet 140162, MedGen C0027672, MeSH D009386, MONDO:0015356.
Lynch syndrome 5 (LYNCH5). Also called: Colorectal cancer, hereditary nonpolyposis, type 5; Hereditary non-polyposis colorectal cancer, type 5. Identifiers: Orphanet 144, MedGen C1833477, MONDO:0013710, OMIM 614350. Disease mechanism: loss of function.
Hereditary nonpolyposis colorectal neoplasms. Identifiers: MedGen C0009405, MeSH D003123.

gnomAD v4.1: 1 of 1,594,848 alleles (0.000063%); highest among the groups gnomAD compares: Non-Finnish European, 0.000085%; no homozygotes.

Submissions (4):

Molecular Pathology, Peter Maccallum Cancer Centre
Classification: Uncertain significance for Lynch syndrome 5. Last evaluated: 2025-02-10. Review status: criteria provided, single submitter. Criteria: ACMG Guidelines, 2015. Collection method: clinical testing. Allele origin: germline. Inheritance: Autosomal dominant inheritance.

Labcorp Genetics (formerly Invitae), Labcorp
Classification: Uncertain significance for Hereditary nonpolyposis colorectal neoplasms. Last evaluated: 2024-02-13. Review status: criteria provided, single submitter. Criteria: Invitae Variant Classification Sherloc (09022015). Collection method: clinical testing. Allele origin: germline.
Comment: This sequence change replaces alanine, which is neutral and non-polar, with proline, which is neutral and non-polar, at codon 48 of the MSH6 protein (p.Ala48Pro). This variant is not present in population databases (gnomAD no frequency). This variant has not been reported in the literature in individuals affected with MSH6-related conditions. ClinVar contains an entry for this variant (Variation ID: 918818). Advanced modeling of protein sequence and biophysical properties (such as structural, functional, and spatial information, amino acid conservation, physicochemical variation, residue mobility, and thermodynamic stability) performed at Invitae indicates that this missense variant is not expected to disrupt MSH6 protein function with a negative predictive value of 95%. In summary, the available evidence is currently insufficient to determine the role of this variant in disease. Therefore, it has been classified as a Variant of Uncertain Significance.

Color Diagnostics, LLC DBA Color Health
Classification: Uncertain significance for Hereditary cancer-predisposing syndrome. Last evaluated: 2023-12-04. Review status: criteria provided, single submitter. Criteria: ACMG Guidelines, 2015. Collection method: clinical testing. Allele origin: germline.
Comment: This missense variant replaces alanine with proline at codon 48 of the MSH6 protein. Computational prediction suggests that this variant may not impact protein structure and function (internally defined REVEL score threshold <= 0.5, PMID: 27666373). To our knowledge, functional studies have not been reported for this variant. This variant has not been reported in individuals affected with MSH6-related disorders in the literature. This variant has not been identified in the general population by the Genome Aggregation Database (gnomAD). The available evidence is insufficient to determine the role of this variant in disease conclusively. Therefore, this variant is classified as a Variant of Uncertain Significance.

Ambry Genetics
Classification: Uncertain significance for Hereditary cancer-predisposing syndrome. Last evaluated: 2022-08-30. Review status: criteria provided, single submitter. Criteria: Ambry Variant Classification Scheme 2023. Collection method: clinical testing. Allele origin: germline.
Comment: The p.A48P variant (also known as c.142G>C), located in coding exon 1 of the MSH6 gene, results from a G to C substitution at nucleotide position 142. The alanine at codon 48 is replaced by proline, an amino acid with highly similar properties. This amino acid position is conserved. In addition, the in silico prediction for this alteration is inconclusive. Since supporting evidence is limited at this time, the clinical significance of this alteration remains unclear.